The following is an entry in ClinVar:

NM_001845.6(COL4A1):c.3501A>G (p.Glu1167=)

Gene: COL4A1 (collagen type IV alpha 1 chain; minus strand). Cytogenetic location: 13q34.
Variant type: single nucleotide variant.
Coding change: c.3501A>G on transcript NM_001845.6 (MANE Select); coding-DNA position 3501, A replaced by G.
Protein change: p.Glu1167=; no amino-acid change (glutamic acid 1167 retained).
Molecular consequence: synonymous variant.
Genome position (GRCh38, 1-based): chr13:110,173,904, T>C on the plus strand (A>G on the coding strand, the complement: COL4A1 is on the minus strand). VCF-style: chr13-110173904-T-C. GRCh37 (hg19) VCF-style: chr13-110826251-T-C.
Identifiers: ClinVar variation 2502672 (VCV002502672.3), dbSNP rs2501768532, ClinGen allele CA484789107.

ClinVar aggregate classification (germline): Uncertain significance. Review status: criteria provided, multiple submitters, no conflicts (2 of 4 stars). 2 submissions from 2 submitters: Uncertain significance (2). Last evaluated 2026-05-27.

Conditions:
COL4A1-related disorder. Also called: COL4A1-related condition; COL4A1-related disorders. Identifiers: MedGen CN376119, MONDO:0800461.

Submissions (2):

GeneDx
Classification: Uncertain significance. Last evaluated: 2026-05-27. Review status: criteria provided, single submitter. Criteria: GeneDx Variant Classification Process June 2021. Collection method: clinical testing. Allele origin: germline.
Comment: Not observed at significant frequency in large population cohorts (gnomAD); In silico analysis supports a deleterious effect on splicing; Has not been previously published as pathogenic or benign to our knowledge

3billion
Classification: Uncertain significance for COL4A1-related disorder. Last evaluated: 2026-01-07. Review status: criteria provided, single submitter. Criteria: ACMG Guidelines, 2015. Collection method: clinical testing. Allele origin: germline. Affected: yes.
Comment: The variant is not observed in the gnomAD v4.1.0 dataset. Predicted Consequence/Location: Synonymous variant In silico tools predict the variant to alter splicing and produce an abnormal transcript [SpliceAI: 0.61 (>=0.2, moderate evidence for spliceogenicity)]. The variant has been reported as of uncertain significance (ClinVar ID: VCV002502672). Therefore, this variant is classified as VUS according to the recommendation of ACMG/AMP guideline.